The following is an entry in ClinVar:

ClinVar aggregate classification (germline): Uncertain significance (1 of 4 stars; one submission).

Submission:

Labcorp Genetics (formerly Invitae), Labcorp
Classification: Uncertain significance. Last evaluated: 2025-06-12. Review status: criteria provided, single submitter. Criteria: Invitae Variant Classification Sherloc (09022015). Collection method: clinical testing. Allele origin: germline.
Comment: This sequence change replaces aspartic acid, which is acidic and polar, with alanine, which is neutral and non-polar, at codon 18 of the APRT protein (p.Asp18Ala). This variant is not present in population databases (gnomAD no frequency). This variant has not been reported in the literature in individuals affected with APRT-related conditions. ClinVar contains an entry for this variant (Variation ID: 1716922). An algorithm developed to predict the effect of missense changes on protein structure and function (PolyPhen-2) suggests that this variant is likely to be tolerated. In summary, the available evidence is currently insufficient to determine the role of this variant in disease. Therefore, it has been classified as a Variant of Uncertain Significance.

NM_000485.3(APRT):c.53A>C (p.Asp18Ala)

Genes: APRT (adenine phosphoribosyltransferase; minus strand), LOC130059760 (ATAC-STARR-seq lymphoblastoid silent region 7879; plus strand). Cytogenetic location: 16q24.3.
Variant type: single nucleotide variant.
Coding change: c.53A>C on transcript NM_000485.3 (MANE Select); coding-DNA position 53, A replaced by C.
Protein change: p.Asp18Ala; replaces aspartic acid 18 with alanine.
Molecular consequence: missense variant.
Genome position (GRCh38, 1-based): chr16:88,811,847, T>G on the plus strand (A>C on the coding strand, the complement: APRT is on the minus strand). VCF-style: chr16-88811847-T-G. GRCh37 (hg19) VCF-style: chr16-88878255-T-G.
Other names: c.53A>C, p.Asp18Ala (NM_001030018.2); short protein forms D18A.
Identifiers: ClinVar variation 1716922 (VCV001716922.6), dbSNP rs2508245300, ClinGen allele CA397091331.